The following is an entry in ClinVar:

ClinVar aggregate classification (germline): Uncertain significance (1 of 4 stars; one submission).

Conditions:
Epilepsy, progressive myoclonic, 1B. Also called: PME. Identifiers: Orphanet 308, MedGen C2676254, MONDO:0012904, OMIM 612437.

Submission:

Labcorp Genetics (formerly Invitae), Labcorp
Classification: Uncertain significance for Epilepsy, progressive myoclonic, 1B. Last evaluated: 2021-03-08. Review status: criteria provided, single submitter. Criteria: Invitae Variant Classification Sherloc (09022015). Collection method: clinical testing. Allele origin: germline.
Comment: In summary, the available evidence is currently insufficient to determine the role of this variant in disease. Therefore, it has been classified as a Variant of Uncertain Significance. Algorithms developed to predict the effect of sequence changes on RNA splicing suggest that this variant may create or strengthen a splice site, but this prediction has not been confirmed by published transcriptional studies. Algorithms developed to predict the effect of missense changes on protein structure and function are either unavailable or do not agree on the potential impact of this missense change (SIFT: "Deleterious"; PolyPhen-2: "Possibly Damaging"; Align-GVGD: "Class C0"). This variant has not been reported in the literature in individuals with PRICKLE1-related conditions. This variant is not present in population databases (ExAC no frequency). This sequence change replaces arginine with glutamine at codon 648 of the PRICKLE1 protein (p.Arg648Gln). The arginine residue is highly conserved and there is a small physicochemical difference between arginine and glutamine.

NM_153026.3(PRICKLE1):c.1943G>A (p.Arg648Gln)

Gene: PRICKLE1 (prickle planar cell polarity protein 1; minus strand). Cytogenetic location: 12q12.
Variant type: single nucleotide variant.
Coding change: c.1943G>A on transcript NM_153026.3 (MANE Select); coding-DNA position 1943, G replaced by A.
Protein change: p.Arg648Gln; replaces arginine 648 with glutamine.
Molecular consequence: missense variant.
Genome position (GRCh38, 1-based): chr12:42,460,362, C>T on the plus strand (G>A on the coding strand, the complement: PRICKLE1 is on the minus strand). VCF-style: chr12-42460362-C-T. GRCh37 (hg19) VCF-style: chr12-42854164-C-T.
Other names: c.1943G>A, p.Arg648Gln (NM_001144881.2, NM_001144882.2, NM_001144883.2); short protein forms R648Q.
Identifiers: ClinVar variation 1514926 (VCV001514926.8), dbSNP rs1937776331, ClinGen allele CA384440542.
Genomic context (GRCh38, chr12:42,460,362, plus strand): 5'-GATCCCCTCTCTTCAAAATTGTAGACGCGTCTCCGAGTCCTTTCACTCATCGGAGGCTGC[C>T]GGATTTCAATGTCATAGTTCCCATTGTCAATGACATCATCAGAAAACTTGACCTGCTGGG-3'
Protein context (NP_694571.2, residues 638-658): IDNGNYDIEI[Arg648Gln]QPPMSERTRR